The following is an entry in ClinVar:

ClinVar aggregate classification (germline): Likely benign (1 of 4 stars; one submission).

Allele frequency attached by ClinVar (database versions not stated): 1000 Genomes Project 0.00100; 1000 Genomes Project 30x 0.00109.

Submission:

CeGaT Center for Human Genetics Tuebingen
Classification: Likely benign. Last evaluated: 2023-03-01. Review status: criteria provided, single submitter. Criteria: CeGaT Center For Human Genetics Tuebingen Variant Classification Criteria Version 2. Collection method: clinical testing. Allele origin: germline. Affected: yes. Observed: 1 variant allele.
Comment: WNT9A: BP4, BP7, BS2

NM_003395.4(WNT9A):c.243G>A (p.Thr81=)

Gene: WNT9A (Wnt family member 9A; minus strand). Cytogenetic location: 1q42.13.
Variant type: single nucleotide variant.
Coding change: c.243G>A on transcript NM_003395.4 (MANE Select); coding-DNA position 243, G replaced by A.
Protein change: p.Thr81=; no amino-acid change (threonine 81 retained).
Molecular consequence: synonymous variant.
Genome position (GRCh38, 1-based): chr1:227,925,372, C>T on the plus strand (G>A on the coding strand, the complement: WNT9A is on the minus strand). VCF-style: chr1-227925372-C-T. GRCh37 (hg19) VCF-style: chr1-228113073-C-T.
Identifiers: ClinVar variation 2639983 (VCV002639983.24), dbSNP rs8192628, ClinGen allele CA1429267.